The following is an entry in ClinVar:

NM_012471.3(TRPC5):c.65T>C (p.Ile22Thr)

Gene: TRPC5 (transient receptor potential cation channel subfamily C member 5; minus strand). Cytogenetic location: Xq23.
Variant type: single nucleotide variant.
Coding change: c.65T>C on transcript NM_012471.3 (MANE Select); coding-DNA position 65, T replaced by C.
Protein change: p.Ile22Thr; replaces isoleucine 22 with threonine.
Molecular consequence: missense variant.
Genome position (GRCh38, 1-based): chrX:111,952,356, A>G on the plus strand (T>C on the coding strand, the complement: TRPC5 is on the minus strand). VCF-style: chrX-111952356-A-G. GRCh37 (hg19) VCF-style: chrX-111195584-A-G.
Other names: short protein forms I22T.
Identifiers: ClinVar variation 4999563 (VCV004999563.1).

ClinVar aggregate classification (germline): Uncertain significance (1 of 4 stars; one submission).

Conditions:
TRPC5-related disorder. Also called: TRPC5-related condition.

gnomAD v4.1: 2 of 1,211,407 alleles (0.00017%); highest among the groups gnomAD compares: Non-Finnish European, 0.00022%; no homozygotes.

Submission:

PreventionGenetics, part of Exact Sciences
Classification: Uncertain significance for TRPC5-related condition. Last evaluated: 2024-12-30. Review status: criteria provided, single submitter. Criteria: ACMG Guidelines, 2015. Collection method: clinical testing. Allele origin: germline.
Comment: The TRPC5 c.65T>C variant is predicted to result in the amino acid substitution p.Ile22Thr. To our knowledge, this variant has not been reported in the literature or in a large population database (gnomAD), indicating this variant is rare. At this time, the clinical significance of this variant is uncertain due to the absence of conclusive functional and genetic evidence.